The following is an entry in ClinVar:

ClinVar aggregate classification (germline): Conflicting classifications of pathogenicity. Review status: criteria provided, conflicting classifications (1 of 4 stars). 2 submissions from 2 submitters: Likely pathogenic (1); Uncertain significance (1). Last evaluated 2025-06-12.

Conditions:
SLC12A3-related disorder. Also called: SLC12A3-related condition.

Submissions (2):

Labcorp Genetics (formerly Invitae), Labcorp
Classification: Uncertain significance. Last evaluated: 2025-06-12. Review status: criteria provided, single submitter. Criteria: Invitae Variant Classification Sherloc (09022015). Collection method: clinical testing. Allele origin: germline.
Comment: This sequence change falls in intron 22 of the SLC12A3 gene. It does not directly change the encoded amino acid sequence of the SLC12A3 protein. It affects a nucleotide within the consensus splice site. This variant is present in population databases (rs757755595, gnomAD 0.004%). This variant has been observed in individual(s) with clinical features of SLC12A3-related conditions (PMID: 37702302). This variant is also known as c.2660+1_2660+2insT. ClinVar contains an entry for this variant (Variation ID: 3708192). Variants that disrupt the consensus splice site are a relatively common cause of aberrant splicing (PMID: 17576681, 9536098). Algorithms developed to predict the effect of sequence changes on RNA splicing suggest that this variant may disrupt the consensus splice site. In summary, the available evidence is currently insufficient to determine the role of this variant in disease. Therefore, it has been classified as a Variant of Uncertain Significance.

Blueprint Genetics
Classification: Likely pathogenic for SLC12A3-related disorders. Last evaluated: 2023-03-23. Review status: criteria provided, single submitter. Criteria: ACMG Guidelines, 2015. Collection method: clinical testing. Allele origin: germline. Affected: yes. Observed: 4 variant alleles.

Literature cited by the submitters: PubMed 37702302 (cited by Labcorp Genetics (formerly Invitae), Labcorp); PubMed 17576681 (cited by Labcorp Genetics (formerly Invitae), Labcorp); PubMed 9536098 (cited by Labcorp Genetics (formerly Invitae), Labcorp).

NM_001126108.2(SLC12A3):c.2633+2dup

Gene: SLC12A3 (solute carrier family 12 member 3; plus strand). Cytogenetic location: 16q13.
Variant type: Duplication.
Coding change: c.2633+2dup on transcript NM_001126108.2 (MANE Select); the canonical splice donor site of the intron after coding-DNA position 2633, one base duplicated (T; older notation c.2633+2dupT).
Molecular consequence: splice donor variant.
Genome position (GRCh38, 1-based): chr16:56,894,644, T duplicated. VCF-style (leftmost placement, unchanged base first): chr16-56894643-G-GT. GRCh37 (hg19) VCF-style: chr16-56928555-G-GT.
Other names: c.2660+2dup (NM_000339.3); c.2657+2dup (NM_001126107.2); c.2630+2dup (NM_001410896.1).
Identifiers: ClinVar variation 3708192 (VCV003708192.3).